The following is an entry in ClinVar:

NM_003079.5(SMARCE1):c.1036C>A (p.His346Asn)

Gene: SMARCE1 (SWI/SNF related BAF chromatin remodeling complex subunit E1; minus strand). Cytogenetic location: 17q21.2.
Variant type: single nucleotide variant.
Coding change: c.1036C>A on transcript NM_003079.5 (MANE Select); coding-DNA position 1036, C replaced by A.
Protein change: p.His346Asn; replaces histidine 346 with asparagine.
Molecular consequence: missense variant.
Genome position (GRCh38, 1-based): chr17:40,628,985, G>T on the plus strand (C>A on the coding strand, the complement: SMARCE1 is on the minus strand). VCF-style: chr17-40628985-G-T. GRCh37 (hg19) VCF-style: chr17-38785237-G-T.
Other names: short protein forms H346N.
Identifiers: ClinVar variation 1029667 (VCV001029667.5), dbSNP rs751700497, ClinGen allele CA399361828.

ClinVar aggregate classification (germline): Uncertain significance. Review status: criteria provided, multiple submitters, no conflicts (2 of 4 stars). 2 submissions from 2 submitters: Uncertain significance (2). Last evaluated 2023-12-05.

Conditions:
Coffin-Siris syndrome 5 (CSS5). Identifiers: Orphanet 1465, MedGen C4310788, MONDO:0014838, OMIM 616938.
Familial meningioma. Also called: Meningioma, familial, susceptibility to. Identifiers: Orphanet 263662, MedGen C3551915, MONDO:0011789, OMIM 607174.

Submissions (2):

Labcorp Genetics (formerly Invitae), Labcorp
Classification: Uncertain significance for Familial meningioma. Last evaluated: 2023-12-05. Review status: criteria provided, single submitter. Criteria: Invitae Variant Classification Sherloc (09022015). Collection method: clinical testing. Allele origin: germline.
Comment: This sequence change replaces histidine, which is basic and polar, with asparagine, which is neutral and polar, at codon 346 of the SMARCE1 protein (p.His346Asn). This variant is not present in population databases (gnomAD no frequency). This variant has not been reported in the literature in individuals affected with SMARCE1-related conditions. ClinVar contains an entry for this variant (Variation ID: 1029667). Advanced modeling of protein sequence and biophysical properties (such as structural, functional, and spatial information, amino acid conservation, physicochemical variation, residue mobility, and thermodynamic stability) performed at Invitae indicates that this missense variant is not expected to disrupt SMARCE1 protein function with a negative predictive value of 80%. In summary, the available evidence is currently insufficient to determine the role of this variant in disease. Therefore, it has been classified as a Variant of Uncertain Significance.

Baylor Genetics
Classification: Uncertain significance for Coffin-Siris syndrome 5. Last evaluated: 2019-11-16. Review status: criteria provided, single submitter. Criteria: ACMG Guidelines, 2015. Collection method: clinical testing. Allele origin: unknown. Affected: yes.
Comment: This variant was determined to be of uncertain significance according to ACMG Guidelines, 2015 [PMID:25741868].